The following is an entry in ClinVar:

ClinVar aggregate classification (germline): Uncertain significance. Review status: criteria provided, multiple submitters, no conflicts (2 of 4 stars). 2 submissions from 2 submitters: Uncertain significance (2). Last evaluated 2025-01-06.

Conditions:
Epilepsy. Also called: Seizure disorder. Identifiers: MedGen C0014544, MeSH D004827, MONDO:0005027.
Inborn genetic diseases. Identifiers: MedGen C0950123, MeSH D030342.

Submissions (2):

Labcorp Genetics (formerly Invitae), Labcorp
Classification: Uncertain significance for Epilepsy. Last evaluated: 2025-01-06. Review status: criteria provided, single submitter. Criteria: Invitae Variant Classification Sherloc (09022015). Collection method: clinical testing. Allele origin: germline.
Comment: This sequence change replaces proline, which is neutral and non-polar, with serine, which is neutral and polar, at codon 236 of the PIGQ protein (p.Pro236Ser). This variant is not present in population databases (gnomAD no frequency). This variant has not been reported in the literature in individuals affected with PIGQ-related conditions. ClinVar contains an entry for this variant (Variation ID: 1387769). An algorithm developed to predict the effect of missense changes on protein structure and function (PolyPhen-2) suggests that this variant is likely to be disruptive. In summary, the available evidence is currently insufficient to determine the role of this variant in disease. Therefore, it has been classified as a Variant of Uncertain Significance.

Ambry Genetics
Classification: Uncertain significance for Inborn genetic diseases. Last evaluated: 2025-01-02. Review status: criteria provided, single submitter. Criteria: Ambry Variant Classification Scheme 2023. Collection method: clinical testing. Allele origin: germline.

NM_004204.5(PIGQ):c.706C>T (p.Pro236Ser)

Gene: PIGQ (phosphatidylinositol glycan anchor biosynthesis class Q; plus strand). Cytogenetic location: 16p13.3.
Variant type: single nucleotide variant.
Coding change: c.706C>T on transcript NM_004204.5 (MANE Select); coding-DNA position 706, C replaced by T.
Protein change: p.Pro236Ser; replaces proline 236 with serine.
Molecular consequence: missense variant.
Genome position (GRCh38, 1-based): chr16:575,855, C>T. VCF-style: chr16-575855-C-T. GRCh37 (hg19) VCF-style: chr16-625855-C-T.
Other names: c.706C>T, p.Pro236Ser (NM_148920.4); c.706C>T (NM_148920.1); short protein forms P236S.
Identifiers: ClinVar variation 1387769 (VCV001387769.7), dbSNP rs868670706, ClinGen allele CA276482989.